The following is an entry in ClinVar:

ClinVar aggregate classification (germline): Uncertain significance. Review status: criteria provided, single submitter (1 of 4 stars). 2 submissions from 2 submitters: Uncertain significance (1). 1 of the submissions does not count toward it. Last evaluated 2018-01-13.

Conditions:
Histidinemia. Also called: Deficiency of histidine ammonia-lyase; Hyperhistidinemia; HAL DEFICIENCY; HIS DEFICIENCY; HISTIDASE DEFICIENCY; HISTIDINE AMMONIA-LYASE DEFICIENCY. Identifiers: Orphanet 2157, MedGen C0220992, MONDO:0009345, OMIM 235800, HP:0010906.
HAL-related disorder. Also called: HAL-related condition.

Allele frequency attached by ClinVar (database versions not stated): ESP Exome Variant Server 0.00277; 1000 Genomes Project 0.00419; 1000 Genomes Project 30x 0.00515; gnomAD exomes 0.00021 and 0.00066; ExAC 0.00077; gnomAD 0.00232 and 0.00241; TOPMed 0.00253.
gnomAD v4.1: 688 of 1,613,894 alleles (0.043%); highest among the groups gnomAD compares: African/African-American, 0.78%; 4 homozygotes.

Submissions (2):

Illumina Laboratory Services, Illumina
Classification: Uncertain significance for Histidinemia. Last evaluated: 2018-01-13. Review status: criteria provided, single submitter. Criteria: ICSL Variant Classification Criteria 13 December 2019. Collection method: clinical testing. Allele origin: germline.

PreventionGenetics, part of Exact Sciences
Classification: Benign for HAL-related condition. Last evaluated: 2019-06-12. Review status: no assertion criteria provided. Collection method: clinical testing. Allele origin: germline. Not counted in ClinVar's aggregate classification.
Comment: This variant is classified as benign based on ACMG/AMP sequence variant interpretation guidelines (Richards et al. 2015 PMID: 25741868, with internal and published modifications).

NM_002108.4(HAL):c.1764-4G>T

Gene: HAL (histidine ammonia-lyase; minus strand). Cytogenetic location: 12q23.1.
Variant type: single nucleotide variant.
Coding change: c.1764-4G>T on transcript NM_002108.4 (MANE Select); 4 bases into the intron before coding-DNA position 1764, G replaced by T.
Molecular consequence: intron variant.
Genome position (GRCh38, 1-based): chr12:95,976,502, C>A on the plus strand (G>T on the coding strand, the complement: HAL is on the minus strand). VCF-style: chr12-95976502-C-A. GRCh37 (hg19) VCF-style: chr12-96370280-C-A.
Other names: c.1140-4G>T (NM_001258333.2); c.1763+96G>T (NM_001258334.2).
Identifiers: ClinVar variation 883751 (VCV000883751.6), dbSNP rs189238113, ClinGen allele CA6727432.
Genomic context (GRCh38, chr12:95,976,502, plus strand): 5'-AGCAGCCTGTGGGCTGCCTCGATGTCCGGGGCCATGAAGCGATCTTTTATCCAGGGCCTA[C>A]AGGGAGAGCACATCCGCCCATCAGCCAAACATGAAACCCTGCCAGGGTTCACAGTGCTGA-3'